The following is an entry in ClinVar:

NM_213655.5(WNK1):c.2321G>C (p.Ser774Thr)

Gene: WNK1 (WNK lysine deficient protein kinase 1; plus strand). Cytogenetic location: 12p13.33.
Variant type: single nucleotide variant.
Coding change: c.2321G>C on transcript NM_213655.5 (MANE Plus Clinical); coding-DNA position 2321, G replaced by C.
Protein change: p.Ser774Thr; replaces serine 774 with threonine.
Molecular consequence: missense variant. On other transcripts: intron variant (3).
Genome position (GRCh38, 1-based): chr12:865,291, G>C. VCF-style: chr12-865291-G-C. GRCh37 (hg19) VCF-style: chr12-974457-G-C.
Other names: c.2140-2575G>C (NM_001184985.2); c.2139+3021G>C (NM_018979.4, NM_014823.3); short protein forms S774T.
Identifiers: ClinVar variation 2935973 (VCV002935973.3), dbSNP rs2548726614, ClinGen allele CA383337800.

ClinVar aggregate classification (germline): Uncertain significance (1 of 4 stars; one submission).

Conditions:
Neuropathy, hereditary sensory and autonomic, type 2A (HSAN2A). Also called: ACROOSTEOLYSIS, GIACCAI TYPE; ACROOSTEOLYSIS, NEUROGENIC; MORVAN DISEASE; NEUROPATHY, CONGENITAL SENSORY; NEUROPATHY, HEREDITARY SENSORY RADICULAR, AUTOSOMAL RECESSIVE; NEUROPATHY, HEREDITARY SENSORY, TYPE IIA. Identifiers: Orphanet 970, MedGen C2752089, MONDO:0024309, OMIM 201300.
Pseudohypoaldosteronism type 2C (PHA2C). Also called: Pseudohypoaldosteronism Type IIC. Identifiers: Orphanet 757, Orphanet 88940, MedGen C1840391, MONDO:0013778, OMIM 614492.

Submission:

Labcorp Genetics (formerly Invitae), Labcorp
Classification: Uncertain significance for Neuropathy, hereditary sensory and autonomic, type 2A; Pseudohypoaldosteronism type 2C. Last evaluated: 2022-12-23. Review status: criteria provided, single submitter. Criteria: Invitae Variant Classification Sherloc (09022015). Collection method: clinical testing. Allele origin: germline.
Comment: In summary, the available evidence is currently insufficient to determine the role of this variant in disease. Therefore, it has been classified as a Variant of Uncertain Significance. Advanced modeling of protein sequence and biophysical properties (such as structural, functional, and spatial information, amino acid conservation, physicochemical variation, residue mobility, and thermodynamic stability) performed at Invitae indicates that this missense variant is not expected to disrupt WNK1 protein function. This variant has not been reported in the literature in individuals affected with WNK1-related conditions. This variant is not present in population databases (gnomAD no frequency). This sequence change replaces serine, which is neutral and polar, with threonine, which is neutral and polar, at codon 774 of the WNK1 protein (p.Ser774Thr).